The following is an entry in ClinVar:

ClinVar aggregate classification (germline): Conflicting classifications of pathogenicity. Review status: criteria provided, conflicting classifications (1 of 4 stars). 4 submissions from 4 submitters: Uncertain significance (3); Likely benign (1). Last evaluated 2023-12-27.

Conditions:
Polycystic kidney disease, adult type (PKD1). Also called: Polycystic Kidney Disease 1, Autosomal Dominant; Polycystic kidney disease 1; Polycystic kidney disease 1, severe; POLYCYSTIC KIDNEY DISEASE, ADULT, TYPE I; POLYCYSTIC KIDNEY DISEASE 1 WITH OR WITHOUT POLYCYSTIC LIVER DISEASE; Polycystic Kidney, Autosomal Dominant. Identifiers: MedGen C3149841, MONDO:0008263, OMIM 173900.

Allele frequency attached by ClinVar (database versions not stated): TOPMed 0.00003; gnomAD 0.00004 and 0.00007; gnomAD exomes 0.00009; 1000 Genomes Project 30x 0.00016; ExAC 0.00017.
gnomAD v4.1: 188 of 1,572,236 alleles (0.012%); highest among the groups gnomAD compares: East Asian, 0.41%; 2 homozygotes.

Submissions (4):

Fulgent Genetics
Classification: Uncertain significance for Polycystic kidney disease, adult type. Last evaluated: 2023-12-27. Review status: criteria provided, single submitter. Criteria: ACMG Guidelines, 2015. Collection method: clinical testing. Allele origin: germline.

GeneDx
Classification: Likely benign. Last evaluated: 2020-06-11. Review status: criteria provided, single submitter. Criteria: GeneDx Variant Classification Process June 2021. Collection method: clinical testing. Allele origin: germline. Affected: yes.
Comment: See Variant Classification Assertion Criteria.

Athena Diagnostics
Classification: Uncertain significance. Last evaluated: 2019-09-19. Review status: criteria provided, single submitter. Criteria: Athena Diagnostics Criteria. Collection method: clinical testing. Allele origin: unknown.

Juno Genomics, Hangzhou Juno Genomics, Inc
Classification: Uncertain significance for Polycystic kidney disease, adult type. Review status: criteria provided, single submitter. Criteria: ACMG Guidelines, 2015. Collection method: clinical testing. Allele origin: germline. Affected: yes.
Comment: Absent from controls (or at extremely low frequency if recessive) in Genome Aggregation Database, Exome Sequencing Project, 1000 Genomes Project, or Exome Aggregation Consortium.;The prevalence of the variant in affected individuals is significantly increased compared to the prevalence in controls.

NM_001009944.3(PKD1):c.7100C>T (p.Ser2367Phe)

Gene: PKD1 (polycystin 1, transient receptor potential channel interacting; minus strand). Cytogenetic location: 16p13.3.
Variant type: single nucleotide variant.
Coding change: c.7100C>T on transcript NM_001009944.3 (MANE Select); coding-DNA position 7100, C replaced by T.
Protein change: p.Ser2367Phe; replaces serine 2367 with phenylalanine.
Molecular consequence: missense variant.
Genome position (GRCh38, 1-based): chr16:2,106,914, G>A on the plus strand (C>T on the coding strand, the complement: PKD1 is on the minus strand). VCF-style: chr16-2106914-G-A. GRCh37 (hg19) VCF-style: chr16-2156915-G-A.
Other names: c.7100C>T, p.Ser2367Phe (NM_000296.4); short protein forms S2367F.
Identifiers: ClinVar variation 995206 (VCV000995206.6), dbSNP rs771932172, ClinGen allele CA7831284.